The following is an entry in ClinVar:

ClinVar aggregate classification (germline): Uncertain significance. Review status: criteria provided, multiple submitters, no conflicts (2 of 4 stars). 2 submissions from 2 submitters: Uncertain significance (2). Last evaluated 2025-06-24.

Conditions:
Inborn genetic diseases. Identifiers: MedGen C0950123, MeSH D030342.

Allele frequency attached by ClinVar (database versions not stated): ExAC 0.00004; gnomAD exomes 0.00004; TOPMed 0.00004; gnomAD 0.00005; ESP Exome Variant Server 0.00008; 1000 Genomes Project 30x 0.00016; 1000 Genomes Project 0.00020.

Submissions (2):

Ambry Genetics
Classification: Uncertain significance for Inborn genetic diseases. Last evaluated: 2025-06-24. Review status: criteria provided, single submitter. Criteria: Ambry Variant Classification Scheme 2023. Collection method: clinical testing. Allele origin: germline.

GeneDx
Classification: Uncertain significance. Last evaluated: 2025-06-01. Review status: criteria provided, single submitter. Criteria: GeneDx Variant Classification Process June 2021. Collection method: clinical testing. Allele origin: germline.
Comment: Not observed at significant frequency in large population cohorts (gnomAD); In silico analysis suggests that this missense variant does not alter protein structure/function; Has not been previously published as pathogenic or benign to our knowledge

NM_003321.5(TUFM):c.77T>C (p.Leu26Pro)

Gene: TUFM (Tu translation elongation factor, mitochondrial; minus strand). Cytogenetic location: 16p11.2.
Variant type: single nucleotide variant.
Coding change: c.77T>C on transcript NM_003321.5 (MANE Select); coding-DNA position 77, T replaced by C.
Protein change: p.Leu26Pro; replaces leucine 26 with proline.
Molecular consequence: missense variant.
Genome position (GRCh38, 1-based): chr16:28,846,082, A>G on the plus strand (T>C on the coding strand, the complement: TUFM is on the minus strand). VCF-style: chr16-28846082-A-G. GRCh37 (hg19) VCF-style: chr16-28857403-A-G.
Other names: c.77T>C, p.Leu26Pro (NM_001365360.2); short protein forms L26P.
Identifiers: ClinVar variation 3184847 (VCV003184847.4), dbSNP rs371161228, ClinGen allele CA7985751.